The following is an entry in ClinVar:

NM_000195.5(HPS1):c.320G>A (p.Arg107Gln)

Gene: HPS1 (HPS1 biogenesis of lysosomal organelles complex 3 subunit 1; minus strand). Cytogenetic location: 10q24.2.
Variant type: single nucleotide variant.
Coding change: c.320G>A on transcript NM_000195.5 (MANE Select); coding-DNA position 320, G replaced by A.
Protein change: p.Arg107Gln; replaces arginine 107 with glutamine.
Molecular consequence: missense variant. On other transcripts: 5 prime UTR variant (2), intron variant (7).
Genome position (GRCh38, 1-based): chr10:98,435,350, C>T on the plus strand (G>A on the coding strand, the complement: HPS1 is on the minus strand). VCF-style: chr10-98435350-C-T. GRCh37 (hg19) VCF-style: chr10-100195107-C-T.
Other names: c.-597G>A (NM_001311345.2); c.320G>A, p.Arg107Gln (NM_001322476.2, NM_001322477.2, NM_001322478.2 and 5 more transcripts); c.-696G>A (NM_001322487.2); c.29+285G>A (NM_001322483.2, NM_001322485.2, NM_001322484.2); c.255+285G>A (NM_001322480.2, NM_001322482.2, NM_001322481.2); c.-519+285G>A (NM_001322489.2); c.320G>A (NM_000195.3); short protein forms R107Q.
Identifiers: ClinVar variation 990848 (VCV000990848.6), dbSNP rs538482143, ClinGen allele CA5639431.

ClinVar aggregate classification (germline): Conflicting classifications of pathogenicity. Review status: criteria provided, conflicting classifications (1 of 4 stars). 4 submissions from 4 submitters: Uncertain significance (2); Likely benign (1). 1 of the submissions does not count toward it. Last evaluated 2024-10-16.

Conditions:
Hermansky-Pudlak syndrome (HPS). Also called: ALBINISM WITH HEMORRHAGIC DIATHESIS AND PIGMENTED RETICULOENDOTHELIAL CELLS. Identifiers: Orphanet 79430, MedGen C0079504, MONDO:0019312.
Hermansky-Pudlak syndrome 1 (HPS1). Also called: DELTA STORAGE POOL DISEASE. Identifiers: Orphanet 231500, Orphanet 79430, MedGen C2931875, MONDO:0008748, OMIM 203300.
Inborn genetic diseases. Identifiers: MedGen C0950123, MeSH D030342.

Allele frequency attached by ClinVar (database versions not stated): gnomAD exomes 0.00001; ExAC 0.00002; TOPMed 0.00002; gnomAD 0.00005; 1000 Genomes Project 30x 0.00016; 1000 Genomes Project 0.00020.
gnomAD v4.1: 29 of 1,613,886 alleles (0.0018%); highest among the groups gnomAD compares: South Asian, 0.0044%; no homozygotes.

Submissions (4):

Ambry Genetics
Classification: Likely benign for Inborn genetic diseases. Last evaluated: 2024-10-16. Review status: criteria provided, single submitter. Criteria: Ambry Variant Classification Scheme 2023. Collection method: clinical testing. Allele origin: germline.

Fulgent Genetics
Classification: Uncertain significance for Hermansky-Pudlak syndrome 1. Last evaluated: 2024-01-05. Review status: criteria provided, single submitter. Criteria: ACMG Guidelines, 2015. Collection method: clinical testing. Allele origin: germline.

Labcorp Genetics (formerly Invitae), Labcorp
Classification: Uncertain significance. Last evaluated: 2022-04-08. Review status: criteria provided, single submitter. Criteria: Invitae Variant Classification Sherloc (09022015). Collection method: clinical testing. Allele origin: germline.
Comment: This sequence change replaces arginine, which is basic and polar, with glutamine, which is neutral and polar, at codon 107 of the HPS1 protein (p.Arg107Gln). This variant is present in population databases (rs538482143, gnomAD 0.01%). This variant has not been reported in the literature in individuals affected with HPS1-related conditions. ClinVar contains an entry for this variant (Variation ID: 990848). Algorithms developed to predict the effect of missense changes on protein structure and function output the following: SIFT: "Tolerated"; PolyPhen-2: "Benign"; Align-GVGD: "Class C0". The glutamine amino acid residue is found in multiple mammalian species, which suggests that this missense change does not adversely affect protein function. In summary, the available evidence is currently insufficient to determine the role of this variant in disease. Therefore, it has been classified as a Variant of Uncertain Significance.

Natera, Inc.
Classification: Uncertain significance for Hermansky-Pudlak syndrome. Last evaluated: 2020-04-11. Review status: no assertion criteria provided. Collection method: clinical testing. Allele origin: germline. Not counted in ClinVar's aggregate classification.